The following is an entry in ClinVar:

ClinVar aggregate classification (germline): Pathogenic (1 of 4 stars; one submission).

Submission:

GeneDx
Classification: Pathogenic. Last evaluated: 2017-03-23. Review status: criteria provided, single submitter. Criteria: GeneDx Variant Classification (06012015). Collection method: clinical testing. Allele origin: germline. Affected: yes.
Comment: The S2255X variant in the KMT2A gene has not been reported previously as a pathogenic variantnor as a benign variant, to our knowledge. This variant is predicted to cause loss of normal proteinfunction either through protein truncation or nonsense-mediated mRNA decay. The S2255X variant isnot observed in large population cohorts (Lek et al., 2016; 1000 Genomes Consortium et al., 2015;Exome Variant Server). We interpret S2255X as a pathogenic variant

NM_001197104.2(KMT2A):c.6764C>A (p.Ser2255Ter)

Gene: KMT2A (lysine methyltransferase 2A; plus strand). Cytogenetic location: 11q23.3.
Variant type: single nucleotide variant.
Coding change: c.6764C>A on transcript NM_001197104.2 (MANE Select); coding-DNA position 6764, C replaced by A.
Protein change: p.Ser2255Ter; replaces serine 2255 with a stop codon.
Molecular consequence: nonsense.
Genome position (GRCh38, 1-based): chr11:118,502,656, C>A. VCF-style: chr11-118502656-C-A. GRCh37 (hg19) VCF-style: chr11-118373371-C-A.
Other names: c.6755C>A, p.Ser2252Ter (NM_005933.4); short protein forms S2255*, S2252*.
Identifiers: ClinVar variation 424207 (VCV000424207.2), dbSNP rs1064796862, ClinGen allele CA16619282.